The following is an entry in ClinVar:

NM_001378454.1(ALMS1):c.10630A>G (p.Arg3544Gly)

Gene: ALMS1 (ALMS1 centrosome and basal body associated protein; plus strand). Cytogenetic location: 2p13.1.
Variant type: single nucleotide variant.
Coding change: c.10630A>G on transcript NM_001378454.1 (MANE Select); coding-DNA position 10630, A replaced by G.
Protein change: p.Arg3544Gly; replaces arginine 3544 with glycine.
Molecular consequence: missense variant.
Genome position (GRCh38, 1-based): chr2:73,572,507, A>G. VCF-style: chr2-73572507-A-G. GRCh37 (hg19) VCF-style: chr2-73799634-A-G.
Other names: c.10633A>G, p.Arg3545Gly (NM_015120.4); short protein forms R3545G, R3544G.
Identifiers: ClinVar variation 554113 (VCV000554113.13), dbSNP rs773075850, ClinGen allele CA1715037.
Genomic context (GRCh38, chr2:73,572,507, plus strand): 5'-GAACACATGTGTCTTCCTCTTCCTTATCAAAACATGGACAAGACTAAGACAGATTATACC[A>G]GAATAAAGAGCCTCAGCATCAATGTGAATTTGGGAAACAAAGAAGTGATGGATACTACTA-3'
Protein context (NP_001365383.1, residues 3534-3554): NMDKTKTDYT[Arg3544Gly]IKSLSINVNL

ClinVar aggregate classification (germline): Uncertain significance. Review status: criteria provided, multiple submitters, no conflicts (2 of 4 stars). 5 submissions from 5 submitters: Uncertain significance (3). 2 of the submissions do not count toward it. Last evaluated 2026-01-19.

Conditions:
Cardiovascular phenotype. Identifiers: MedGen CN230736.
Alstrom syndrome (ALMS). Identifiers: Orphanet 64, MedGen C0268425, MONDO:0008763, OMIM 203800.

Allele frequency attached by ClinVar (database versions not stated): gnomAD 0.00002; TOPMed 0.00002; ExAC 0.00003; gnomAD exomes 0.00003.
gnomAD v4.1: 45 of 1,613,670 alleles (0.0028%); highest among the groups gnomAD compares: Non-Finnish European, 0.0032%; no homozygotes.

Submissions (5):

Labcorp Genetics (formerly Invitae), Labcorp
Classification: Uncertain significance for Alstrom syndrome. Last evaluated: 2026-01-19. Review status: criteria provided, single submitter. Criteria: Invitae Variant Classification Sherloc (09022015). Collection method: clinical testing. Allele origin: germline.
Comment: This sequence change replaces arginine, which is basic and polar, with glycine, which is neutral and non-polar, at codon 3545 of the ALMS1 protein (p.Arg3545Gly). This variant is present in population databases (rs773075850, gnomAD 0.007%). This variant has not been reported in the literature in individuals affected with ALMS1-related conditions. ClinVar contains an entry for this variant (Variation ID: 554113). Experimental studies and prediction algorithms are not available or were not evaluated, and the functional significance of this variant is currently unknown. In summary, the available evidence is currently insufficient to determine the role of this variant in disease. Therefore, it has been classified as a Variant of Uncertain Significance.

Blueprint Genetics
Classification: Uncertain significance. Last evaluated: 2024-10-28. Review status: criteria provided, single submitter. Criteria: ACMG Guidelines, 2015. Collection method: clinical testing. Allele origin: germline.

Ambry Genetics
Classification: Uncertain significance for Cardiovascular phenotype. Last evaluated: 2024-07-08. Review status: criteria provided, single submitter. Criteria: Ambry Variant Classification Scheme 2023. Collection method: clinical testing. Allele origin: germline.
Comment: The p.R3545G variant (also known as c.10633A>G), located in coding exon 16 of the ALMS1 gene, results from an A to G substitution at nucleotide position 10633. The arginine at codon 3545 is replaced by glycine, an amino acid with dissimilar properties. This amino acid position is well conserved in available vertebrate species. In addition, the in silico prediction for this alteration is inconclusive. Since supporting evidence is limited at this time, the clinical significance of this alteration remains unclear.

Natera, Inc.
Classification: Uncertain significance for Alstrom syndrome. Last evaluated: 2021-07-12. Review status: no assertion criteria provided. Collection method: clinical testing. Allele origin: germline. Not counted in ClinVar's aggregate classification.

Counsyl
Classification: Uncertain significance for Alstrom syndrome. Last evaluated: 2017-09-27. Review status: no assertion criteria provided. Collection method: clinical testing. Allele origin: unknown. Not counted in ClinVar's aggregate classification.